The following is an entry in ClinVar:

NM_001849.4(COL6A2):c.136C>T (p.His46Tyr)

Gene: COL6A2 (collagen type VI alpha 2 chain; plus strand). Cytogenetic location: 21q22.3.
Variant type: single nucleotide variant.
Coding change: c.136C>T on transcript NM_001849.4 (MANE Select); coding-DNA position 136, C replaced by T.
Protein change: p.His46Tyr; replaces histidine 46 with tyrosine.
Molecular consequence: missense variant.
Genome position (GRCh38, 1-based): chr21:46,111,999, C>T. VCF-style: chr21-46111999-C-T. GRCh37 (hg19) VCF-style: chr21-47531913-C-T.
Other names: c.136C>T, p.His46Tyr (NM_058174.3, NM_058175.3); c.136C>T (NM_001849.3); short protein forms H46Y.
Identifiers: ClinVar variation 1512227 (VCV001512227.9), dbSNP rs144735844, ClinGen allele CA321957134.
Genomic context (GRCh38, chr21:46,111,999, plus strand): 5'-CCTCCTGAGGCTGGCTCGTGACAGGTCCTGTGCCCCACAGAGAAGACCGACTGCCCCATC[C>T]ACGTGTACTTCGTGCTGGACACCTCGGAGAGCGTCACCATGCAGTCCCCCACGGACATCC-3'
Protein context (NP_001840.3, residues 36-56): NCPEKTDCPI[His46Tyr]VYFVLDTSES

ClinVar aggregate classification (germline): Uncertain significance. Review status: criteria provided, multiple submitters, no conflicts (2 of 4 stars). 2 submissions from 2 submitters: Uncertain significance (2). Last evaluated 2024-04-15.

Conditions:
Inborn genetic diseases. Identifiers: MedGen C0950123, MeSH D030342.
Bethlem myopathy 1A. Also called: MYOPATHY, BENIGN CONGENITAL, WITH CONTRACTURES; Bethlem myopathy 1; Bethlem Muscular Dystrophy. Identifiers: Orphanet 610, MedGen CN029274, MONDO:0024530, OMIM 158810.

Allele frequency attached by ClinVar (database versions not stated): gnomAD 0.00001; gnomAD exomes 0.00001; TOPMed 0.00002; ESP Exome Variant Server 0.00008.
gnomAD v4.1: 10 of 1,612,322 alleles (0.00062%); highest among the groups gnomAD compares: Admixed American, 0.0017%; no homozygotes.

Submissions (2):

Labcorp Genetics (formerly Invitae), Labcorp
Classification: Uncertain significance for Bethlem myopathy 1A. Last evaluated: 2024-04-15. Review status: criteria provided, single submitter. Criteria: Invitae Variant Classification Sherloc (09022015). Collection method: clinical testing. Allele origin: germline.
Comment: This sequence change replaces histidine, which is basic and polar, with tyrosine, which is neutral and polar, at codon 46 of the COL6A2 protein (p.His46Tyr). This variant is present in population databases (rs144735844, gnomAD 0.003%). This variant has not been reported in the literature in individuals affected with COL6A2-related conditions. ClinVar contains an entry for this variant (Variation ID: 1512227). Advanced modeling of protein sequence and biophysical properties (such as structural, functional, and spatial information, amino acid conservation, physicochemical variation, residue mobility, and thermodynamic stability) performed at Invitae indicates that this missense variant is not expected to disrupt COL6A2 protein function with a negative predictive value of 80%. In summary, the available evidence is currently insufficient to determine the role of this variant in disease. Therefore, it has been classified as a Variant of Uncertain Significance.

Ambry Genetics
Classification: Uncertain significance for Inborn genetic diseases. Last evaluated: 2023-12-17. Review status: criteria provided, single submitter. Criteria: Ambry Variant Classification Scheme 2023. Collection method: clinical testing. Allele origin: germline.